The following is an entry in ClinVar:

ClinVar aggregate classification (germline): Likely benign (0 of 4 stars; one submission).

Conditions:
TRIM71-related disorder. Also called: TRIM71-related condition.

gnomAD v4.1: 15 of 1,613,998 alleles (0.00093%); highest among the groups gnomAD compares: Admixed American, 0.0083%; no homozygotes.

Submission:

PreventionGenetics, part of Exact Sciences
Classification: Likely benign for TRIM71-related condition. Last evaluated: 2024-07-10. Review status: no assertion criteria provided. Collection method: clinical testing. Allele origin: germline.
Comment: This variant is classified as likely benign based on ACMG/AMP sequence variant interpretation guidelines (Richards et al. 2015 PMID: 25741868, with internal and published modifications).

NM_001039111.3(TRIM71):c.1563C>T (p.Gly521=)

Gene: TRIM71 (tripartite motif containing 71; plus strand). Cytogenetic location: 3p22.3.
Variant type: single nucleotide variant.
Coding change: c.1563C>T on transcript NM_001039111.3 (MANE Select); coding-DNA position 1563, C replaced by T.
Protein change: p.Gly521=; no amino-acid change (glycine 521 retained).
Molecular consequence: synonymous variant.
Genome position (GRCh38, 1-based): chr3:32,890,767, C>T. VCF-style: chr3-32890767-C-T. GRCh37 (hg19) VCF-style: chr3-32932259-C-T.
Identifiers: ClinVar variation 3351123 (VCV003351123.1).